The following is an entry in ClinVar:

ClinVar aggregate classification (germline): Pathogenic. Review status: criteria provided, multiple submitters, no conflicts (2 of 4 stars). 3 submissions from 3 submitters: Pathogenic (3). Last evaluated 2025-12-24.

Conditions:
Hereditary cancer-predisposing syndrome. Also called: Hereditary Cancer Syndrome; Hereditary neoplastic syndrome; Tumor predisposition; Neoplastic Syndromes, Hereditary. Identifiers: Orphanet 140162, MedGen C0027672, MeSH D009386, MONDO:0015356.
Familial adenomatous polyposis 1 (FAP1). Also called: FAMILIAL ADENOMATOUS POLYPOSIS 1, ATTENUATED; POLYPOSIS, ADENOMATOUS INTESTINAL. Identifiers: MedGen C2713442, MONDO:0021056, OMIM 175100. Disease mechanism: loss of function.

Submissions (3):

Labcorp Genetics (formerly Invitae), Labcorp
Classification: Pathogenic for Familial adenomatous polyposis 1. Last evaluated: 2025-12-24. Review status: criteria provided, single submitter. Criteria: Invitae Variant Classification Sherloc (09022015). Collection method: clinical testing. Allele origin: germline.
Comment: This sequence change creates a premature translational stop signal (p.Leu752Profs*3) in the APC gene. While this is not anticipated to result in nonsense mediated decay, it is expected to disrupt the last 2092 amino acid(s) of the APC protein. This variant is not present in population databases (gnomAD no frequency). This variant has not been reported in the literature in individuals affected with APC-related conditions. ClinVar contains an entry for this variant (Variation ID: 1788500). This variant is expected to disrupt the EB1 and HDLG binding sites, which mediate interactions with the cytoskeleton (PMID: 15311282, 17293347). While functional studies have not been performed to directly test the effect on APC protein function, this suggests that disruption of the C-terminal portion of the protein is functionally important. A different truncation (p.Tyr2645Lysfs*14) that lies downstream of this variant has been determined to be pathogenic (PMID: 9824584, 1316610, 27081525, 8381579, 22135120, internal data). This suggests that deletion of this region of the APC protein is causative of disease. For these reasons, this variant has been classified as Pathogenic.

Myriad Genetics, Inc.
Classification: Pathogenic for Familial adenomatous polyposis 1. Last evaluated: 2023-05-04. Review status: criteria provided, single submitter. Criteria: Myriad Autosomal Dominant, Autosomal Recessive and X-Linked Classification Criteria (2023). Collection method: clinical testing. Allele origin: unknown.
Comment: This variant is considered pathogenic. This variant creates a frameshift predicted to result in premature protein truncation.

Ambry Genetics
Classification: Pathogenic for Hereditary cancer-predisposing syndrome. Last evaluated: 2020-06-03. Review status: criteria provided, single submitter. Criteria: Ambry Variant Classification Scheme 2023. Collection method: clinical testing. Allele origin: germline.
Comment: The c.2255_2256delTT pathogenic mutation, located in coding exon 15 of the APC gene, results from a deletion of two nucleotides at nucleotide positions 2255 to 2256, causing a translational frameshift with a predicted alternate stop codon (p.L752Pfs*3). This alteration is expected to result in loss of function by premature protein truncation. As such, this alteration is interpreted as a disease-causing mutation.

Literature cited by the submitters: PubMed 15311282 (cited by Labcorp Genetics (formerly Invitae), Labcorp); PubMed 17293347 (cited by Labcorp Genetics (formerly Invitae), Labcorp); PubMed 9824584 (cited by Labcorp Genetics (formerly Invitae), Labcorp); PubMed 1316610 (cited by Labcorp Genetics (formerly Invitae), Labcorp); PubMed 27081525 (cited by Labcorp Genetics (formerly Invitae), Labcorp); PubMed 8381579 (cited by Labcorp Genetics (formerly Invitae), Labcorp); PubMed 22135120 (cited by Labcorp Genetics (formerly Invitae), Labcorp).

NM_000038.6(APC):c.2255_2256del (p.Leu752fs)

Gene: APC (APC regulator of Wnt signaling pathway; plus strand). Cytogenetic location: 5q22.2.
Variant type: Deletion.
Coding change: c.2255_2256del on transcript NM_000038.6 (MANE Select); coding-DNA positions 2255 to 2256, 2 bases deleted (TT; older notation c.2255_2256delTT).
Protein change: p.Leu752fs; shifts the reading frame from leucine 752.
Molecular consequence: frameshift variant.
Genome position (GRCh38, 1-based): chr5:112,837,849-112,837,850, TT deleted. VCF-style (leftmost placement, unchanged base first): chr5-112837848-CTT-C. GRCh37 (hg19) VCF-style: chr5-112173545-CTT-C.
Other names: c.2255_2256del, p.Leu752fs (NM_001127510.3, NM_001354895.2); c.2201_2202del, p.Leu734fs (NM_001127511.3); c.2309_2310del, p.Leu770fs (NM_001354896.2); c.2285_2286del, p.Leu762fs (NM_001354897.2); c.2180_2181del, p.Leu727fs (NM_001354898.2); c.2171_2172del, p.Leu724fs (NM_001354899.2); c.2132_2133del, p.Leu711fs (NM_001354900.2); c.2078_2079del, p.Leu693fs (NM_001354901.2); and 16 more; short protein forms L727fs, L661fs, L693fs, L724fs, L762fs, L469fs, L651fs, L734fs.
Identifiers: ClinVar variation 1788500 (VCV001788500.4), dbSNP rs2533408018, ClinGen allele CA2580072458.